The following is an entry in ClinVar:

ClinVar aggregate classification (germline): Uncertain significance (1 of 4 stars; one submission).

Conditions:
Chédiak-Higashi syndrome (CHS). Also called: Chediak-Higashi Syndrome. Identifiers: Orphanet 167, MedGen C0007965, MONDO:0008963, OMIM 214500.

gnomAD v4.1: 5 of 1,613,128 alleles (0.00031%); highest among the groups gnomAD compares: South Asian, 0.0044%; no homozygotes.

Submission:

Labcorp Genetics (formerly Invitae), Labcorp
Classification: Uncertain significance for Chédiak-Higashi syndrome. Last evaluated: 2025-01-24. Review status: criteria provided, single submitter. Criteria: Invitae Variant Classification Sherloc (09022015). Collection method: clinical testing. Allele origin: germline.
Comment: This sequence change replaces tyrosine, which is neutral and polar, with histidine, which is basic and polar, at codon 1798 of the LYST protein (p.Tyr1798His). This variant is not present in population databases (gnomAD no frequency). This variant has not been reported in the literature in individuals affected with LYST-related conditions. Invitae Evidence Modeling of protein sequence and biophysical properties (such as structural, functional, and spatial information, amino acid conservation, physicochemical variation, residue mobility, and thermodynamic stability) indicates that this missense variant is not expected to disrupt LYST protein function with a negative predictive value of 80%. In summary, the available evidence is currently insufficient to determine the role of this variant in disease. Therefore, it has been classified as a Variant of Uncertain Significance.

NM_000081.4(LYST):c.5392T>C (p.Tyr1798His)

Gene: LYST (lysosomal trafficking regulator; minus strand). Cytogenetic location: 1q42.3.
Variant type: single nucleotide variant.
Coding change: c.5392T>C on transcript NM_000081.4 (MANE Select); coding-DNA position 5392, T replaced by C.
Protein change: p.Tyr1798His; replaces tyrosine 1798 with histidine.
Molecular consequence: missense variant.
Genome position (GRCh38, 1-based): chr1:235,777,131, A>G on the plus strand (T>C on the coding strand, the complement: LYST is on the minus strand). VCF-style: chr1-235777131-A-G. GRCh37 (hg19) VCF-style: chr1-235940431-A-G.
Other names: c.5392T>C, p.Tyr1798His (NM_001301365.1); short protein forms Y1798H.
Identifiers: ClinVar variation 3666822 (VCV003666822.2).